The following is an entry in ClinVar:

NM_001128840.3(CACNA1D):c.3860G>A (p.Ser1287Asn)

Gene: CACNA1D (calcium voltage-gated channel subunit alpha1 D; plus strand). Cytogenetic location: 3p21.1.
Variant type: single nucleotide variant.
Coding change: c.3860G>A on transcript NM_001128840.3 (MANE Select); coding-DNA position 3860, G replaced by A.
Protein change: p.Ser1287Asn; replaces serine 1287 with asparagine.
Molecular consequence: missense variant.
Genome position (GRCh38, 1-based): chr3:53,762,071, G>A. VCF-style: chr3-53762071-G-A. GRCh37 (hg19) VCF-style: chr3-53796098-G-A.
Other names: c.3920G>A, p.Ser1307Asn (NM_000720.4); c.3860G>A, p.Ser1287Asn (NM_001128839.3); short protein forms S1287N, S1307N.
Identifiers: ClinVar variation 1349119 (VCV001349119.6), dbSNP rs757356388, ClinGen allele CA2454703.

ClinVar aggregate classification (germline): Uncertain significance (1 of 4 stars; one submission).

Allele frequency attached by ClinVar (database versions not stated): gnomAD exomes below 0.00001; ExAC 0.00001.
gnomAD v4.1: 2 of 1,611,592 alleles (0.00012%); highest among the groups gnomAD compares: Admixed American, 0.0017%; no homozygotes.

Submission:

Labcorp Genetics (formerly Invitae), Labcorp
Classification: Uncertain significance. Last evaluated: 2022-03-12. Review status: criteria provided, single submitter. Criteria: Invitae Variant Classification Sherloc (09022015). Collection method: clinical testing. Allele origin: germline.
Comment: In summary, the available evidence is currently insufficient to determine the role of this variant in disease. Therefore, it has been classified as a Variant of Uncertain Significance. Algorithms developed to predict the effect of missense changes on protein structure and function (SIFT, PolyPhen-2, Align-GVGD) all suggest that this variant is likely to be tolerated. This variant has not been reported in the literature in individuals affected with CACNA1D-related conditions. This variant is present in population databases (rs757356388, gnomAD 0.0009%). This sequence change replaces serine, which is neutral and polar, with asparagine, which is neutral and polar, at codon 1307 of the CACNA1D protein (p.Ser1307Asn).